The following is an entry in ClinVar:

ClinVar aggregate classification (germline): Benign. Review status: criteria provided, multiple submitters, no conflicts (2 of 4 stars). 4 submissions from 4 submitters: Benign (4). Last evaluated 2024-01-24.

Conditions:
Autoimmune lymphoproliferative syndrome type 2B. Also called: AUTOIMMUNE LYMPHOPROLIFERATIVE SYNDROME, TYPE IIB. Identifiers: Orphanet 275517, MedGen C1846545, MONDO:0011804, OMIM 607271.

Allele frequency attached by ClinVar (database versions not stated): 1000 Genomes Project 0.06989; 1000 Genomes Project 30x 0.07136; TOPMed 0.12968; gnomAD 0.13390 and 0.13714; gnomAD exomes 0.16325.
gnomAD v4.1: 194,657 of 1,220,458 alleles (16%); highest among the groups gnomAD compares: Middle Eastern, 19%; 17,327 homozygotes.

Submissions (4):

Unidad de Genómica Garrahan, Hospital de Pediatría Garrahan
Classification: Benign. Last evaluated: 2024-01-24. Review status: criteria provided, single submitter. Criteria: ACMG Guidelines, 2015. Collection method: clinical testing. Allele origin: germline. Affected: no. Observed: 26 variant alleles.
Comment: This variant is classified as Benign based on local population frequency. This variant was detected in 27% of patients studied by a panel of primary immunodeficiencies. Number of patients: 26. Only high quality variants are reported.

GeneDx
Classification: Benign. Last evaluated: 2018-08-08. Review status: criteria provided, single submitter. Criteria: GeneDx Variant Classification Process June 2021. Collection method: clinical testing. Allele origin: germline. Affected: yes.

Illumina Laboratory Services, Illumina
Classification: Benign for Autoimmune lymphoproliferative syndrome type 2B. Last evaluated: 2018-01-13. Review status: criteria provided, single submitter. Criteria: ICSL Variant Classification Criteria 13 December 2019. Collection method: clinical testing. Allele origin: germline.
Comment: This variant was observed in the ICSL laboratory as part of a predisposition screen in an ostensibly healthy population. It had not been previously curated by ICSL or reported in the Human Gene Mutation Database (HGMD: prior to June 1st, 2018), and was therefore a candidate for classification through an automated scoring system. Utilizing variant allele frequency, disease prevalence and penetrance estimates, and inheritance mode, an automated score was calculated to assess if this variant is too frequent to cause the disease. Based on the score and internal cut-off values, a variant classified as benign is not then subjected to further curation. The score for this variant resulted in a classification of benign for this disease.

Breakthrough Genomics
Classification: Benign. Review status: criteria provided, single submitter. Criteria: ACMG Guidelines, 2015. Collection method: not provided. Allele origin: germline. Inheritance: Autosomal recessive inheritance. Affected: yes.

NM_001372051.1(CASP8):c.*83G>A

Gene: CASP8 (caspase 8; plus strand). Cytogenetic location: 2q33.1.
Variant type: single nucleotide variant.
Coding change: c.*83G>A on transcript NM_001372051.1 (MANE Select); 83 bases downstream of the stop codon, G replaced by A.
Molecular consequence: 3 prime UTR variant. On other transcripts: non-coding transcript variant (22).
Genome position (GRCh38, 1-based): chr2:201,286,677, G>A. VCF-style: chr2-201286677-G-A. GRCh37 (hg19) VCF-style: chr2-202151400-G-A.
Other names: c.*83G>A (NM_001080124.2, NM_001080125.2, NM_001228.5 and 35 more transcripts).
Identifiers: ClinVar variation 333510 (VCV000333510.10), dbSNP rs17860428, ClinGen allele CA10612398.
Genomic context (GRCh38, chr2:201,286,677, plus strand): 5'-TTTTGTTTTGTTTTTTTGAGACAGAATCTCGCTCTGTCGCCCAGGCTGGAGTGCAGTGGC[G>A]TGATCTCGGCTCACCGCAAGCTCCGCCTCCCGGGTTCAGGCCATTCTCCTGCCTCAGCCT-3'